The following is an entry in ClinVar:

NC_000006.11:g.(?_123637592)_(123637650_?)del

Gene: TRDN (triadin; minus strand). Cytogenetic location: 6q22.31.
Variant type: Deletion.
Identifiers: ClinVar variation 1444119 (VCV001444119.7).

ClinVar aggregate classification (germline): Uncertain significance (1 of 4 stars; one submission).

Conditions:
Catecholaminergic polymorphic ventricular tachycardia 1. Also called: VENTRICULAR TACHYCARDIA, STRESS-INDUCED POLYMORPHIC 1; VENTRICULAR TACHYCARDIA, CATECHOLAMINERGIC POLYMORPHIC, 1, WITH OR WITHOUT ATRIAL DYSFUNCTION AND/OR DILATED CARDIOMYOPATHY; RYR2-Related Catecholaminergic Polymorphic Ventricular Tachycardia. Identifiers: Orphanet 3286, MedGen C1631597, MONDO:0011484, OMIM 604772.

Submission:

Labcorp Genetics (formerly Invitae), Labcorp
Classification: Uncertain significance for Catecholaminergic polymorphic ventricular tachycardia 1. Last evaluated: 2020-12-04. Review status: criteria provided, single submitter. Criteria: Invitae Variant Classification Sherloc (09022015). Collection method: clinical testing. Allele origin: germline.
Comment: In summary, the available evidence is currently insufficient to determine the role of this variant in disease. Therefore, it has been classified as a Variant of Uncertain Significance. Experimental studies and prediction algorithms are not available or were not evaluated, and the functional significance of this variant is currently unknown. This variant has not been reported in the literature in individuals with TRDN-related conditions. This variant is a gross deletion of the genomic region encompassing exon(s) 24 of the TRDN gene. This variant would be expected to be in-frame, preserving the integrity of the reading frame.